The following is an entry in ClinVar:

ClinVar aggregate classification (germline): Likely pathogenic (1 of 4 stars; one submission).

Conditions:
Pyruvate carboxylase deficiency. Also called: ATAXIA WITH LACTIC ACIDOSIS II; LEIGH NECROTIZING ENCEPHALOPATHY DUE TO PYRUVATE CARBOXYLASE DEFICIENCY; LEIGH SYNDROME DUE TO PYRUVATE CARBOXYLASE DEFICIENCY; PC DEFICIENCY; Pyruvate Carboxylase Deficiency Disease. Identifiers: Orphanet 3008, MedGen C0034341, MONDO:0009949, OMIM 266150.

Allele frequency attached by ClinVar (database versions not stated): gnomAD exomes below 0.00001.
gnomAD v4.1: 2 of 1,614,108 alleles (0.00012%); highest among the groups gnomAD compares: African/African-American, 0.0013%; no homozygotes.

Submission:

Labcorp Genetics (formerly Invitae), Labcorp
Classification: Likely pathogenic for Pyruvate carboxylase deficiency. Last evaluated: 2021-10-29. Review status: criteria provided, single submitter. Criteria: Invitae Variant Classification Sherloc (09022015). Collection method: clinical testing. Allele origin: germline.
Comment: This sequence change affects a donor splice site in intron 20 of the PC gene. It is expected to disrupt RNA splicing. Variants that disrupt the donor or acceptor splice site typically lead to a loss of protein function (PMID: 16199547), and loss-of-function variants in PC are known to be pathogenic (PMID: 12112657, 19306334). This variant is not present in population databases (gnomAD no frequency). This variant has not been reported in the literature in individuals affected with PC-related conditions. In summary, the currently available evidence indicates that the variant is pathogenic, but additional data are needed to prove that conclusively. Therefore, this variant has been classified as Likely Pathogenic. Algorithms developed to predict the effect of sequence changes on RNA splicing suggest that this variant may disrupt the consensus splice site.

Literature cited by the submitters: PubMed 16199547; PubMed 12112657; PubMed 19306334.

NM_001040716.2(PC):c.3147+2T>C

Gene: PC (pyruvate carboxylase; minus strand). Cytogenetic location: 11q13.2.
Variant type: single nucleotide variant.
Coding change: c.3147+2T>C on transcript NM_001040716.2 (MANE Select); the canonical splice donor site of the intron after coding-DNA position 3147, T replaced by C.
Molecular consequence: splice donor variant.
Genome position (GRCh38, 1-based): chr11:66,849,609, A>G on the plus strand (T>C on the coding strand, the complement: PC is on the minus strand). VCF-style: chr11-66849609-A-G. GRCh37 (hg19) VCF-style: chr11-66617080-A-G.
Other names: c.3147+2T>C (NM_000920.4, NM_022172.3).
Identifiers: ClinVar variation 1347784 (VCV001347784.6), dbSNP rs2135788673, ClinGen allele CA381490866.